The following is an entry in ClinVar:

ClinVar aggregate classification (germline): Uncertain significance (1 of 4 stars; one submission).

Allele frequency attached by ClinVar (database versions not stated): TOPMed 0.00001; ExAC 0.00003; gnomAD exomes 0.00004.
gnomAD v4.1: 5 of 1,607,670 alleles (0.00031%); highest among the groups gnomAD compares: East Asian, 0.0089%; no homozygotes.

Submission:

Labcorp Genetics (formerly Invitae), Labcorp
Classification: Uncertain significance. Last evaluated: 2023-03-23. Review status: criteria provided, single submitter. Criteria: Invitae Variant Classification Sherloc (09022015). Collection method: clinical testing. Allele origin: germline.
Comment: This sequence change falls in intron 20 of the SCN3A gene. It does not directly change the encoded amino acid sequence of the SCN3A protein. It affects a nucleotide within the consensus splice site. This variant is present in population databases (rs753923035, gnomAD 0.04%). This variant has not been reported in the literature in individuals affected with SCN3A-related conditions. ClinVar contains an entry for this variant (Variation ID: 1383825). Variants that disrupt the consensus splice site are a relatively common cause of aberrant splicing (PMID: 17576681, 9536098). Algorithms developed to predict the effect of sequence changes on RNA splicing suggest that this variant is not likely to affect RNA splicing. In summary, the available evidence is currently insufficient to determine the role of this variant in disease. Therefore, it has been classified as a Variant of Uncertain Significance.

Literature cited by the submitters: PubMed 17576681; PubMed 9536098.

NM_006922.4(SCN3A):c.3670-3T>C

Gene: SCN3A (sodium voltage-gated channel alpha subunit 3; minus strand). Cytogenetic location: 2q24.3.
Variant type: single nucleotide variant.
Coding change: c.3670-3T>C on transcript NM_006922.4 (MANE Select); 3 bases into the intron before coding-DNA position 3670, T replaced by C.
Molecular consequence: intron variant.
Genome position (GRCh38, 1-based): chr2:165,113,061, A>G on the plus strand (T>C on the coding strand, the complement: SCN3A is on the minus strand). VCF-style: chr2-165113061-A-G. GRCh37 (hg19) VCF-style: chr2-165969571-A-G.
Other names: c.3523-3T>C (NM_001081676.2, NM_001081677.2).
Identifiers: ClinVar variation 1383825 (VCV001383825.6), dbSNP rs753923035, ClinGen allele CA1938735.